The following is an entry in ClinVar:

NM_019112.4(ABCA7):c.805G>T (p.Glu269Ter)

Gene: ABCA7 (ATP binding cassette subfamily A member 7; plus strand). Cytogenetic location: 19p13.3.
Variant type: single nucleotide variant.
Coding change: c.805G>T on transcript NM_019112.4 (MANE Select); coding-DNA position 805, G replaced by T.
Protein change: p.Glu269Ter; replaces glutamic acid 269 with a stop codon.
Molecular consequence: nonsense.
Genome position (GRCh38, 1-based): chr19:1,043,348, G>T. VCF-style: chr19-1043348-G-T. GRCh37 (hg19) VCF-style: chr19-1043347-G-T.
Other names: short protein forms E269*.
Identifiers: ClinVar variation 3349817 (VCV003349817.2).
Genomic context (GRCh38, chr19:1,043,348, plus strand): 5'-GGAACTCTGGGCAGGGGGGCAGGGCCTCATGGCACCCCCATCCCAGGCCCCGCCTGCTCG[G>T]AGCTGATTGGAGCCCTGGACAGCCACCCGCTGTCCCGCCTGCTCTGGAGACGCCTGAAGC-3'

ClinVar aggregate classification (germline): Uncertain significance (1 of 4 stars; one submission).

Conditions:
ABCA7-related disorder. Also called: ABCA7-related condition.

Submission:

PreventionGenetics, part of Exact Sciences
Classification: Uncertain significance for ABCA7-related condition. Last evaluated: 2025-09-09. Review status: criteria provided, single submitter. Criteria: ACMG Guidelines, 2015. Collection method: clinical testing. Allele origin: germline.
Comment: The ABCA7 c.805G>T variant is predicted to result in premature protein termination (p.Glu269*). To our knowledge, this variant has not been reported in the literature. This variant is reported in 0.033% of alleles in individuals of African descent in gnomAD. Loss of function is not an established mechanism of ABCA7-related disease. Although we suspect that this variant may be pathogenic, at this time, the clinical significance of this variant is uncertain due to the absence of conclusive functional and genetic evidence.